The following is an entry in ClinVar:

ClinVar aggregate classification (germline): Uncertain significance (1 of 4 stars; one submission).

Allele frequency attached by ClinVar (database versions not stated): gnomAD 0.00004; 1000 Genomes Project 30x 0.00031.

Submission:

Labcorp Genetics (formerly Invitae), Labcorp
Classification: Uncertain significance. Last evaluated: 2022-02-05. Review status: criteria provided, single submitter. Criteria: Invitae Variant Classification Sherloc (09022015). Collection method: clinical testing. Allele origin: germline.
Comment: In summary, the available evidence is currently insufficient to determine the role of this variant in disease. Therefore, it has been classified as a Variant of Uncertain Significance. Algorithms developed to predict the effect of missense changes on protein structure and function are either unavailable or do not agree on the potential impact of this missense change (SIFT: "Deleterious"; PolyPhen-2: "Benign"; Align-GVGD: "Class C0"). This variant has not been reported in the literature in individuals affected with TRIOBP-related conditions. The frequency data for this variant in the population databases is considered unreliable, as metrics indicate poor data quality at this position in the gnomAD database. This sequence change replaces arginine, which is basic and polar, with threonine, which is neutral and polar, at codon 478 of the TRIOBP protein (p.Arg478Thr).

NM_001039141.3(TRIOBP):c.1433G>C (p.Arg478Thr)

Gene: TRIOBP (TRIO and F-actin binding protein; plus strand). Cytogenetic location: 22q13.1.
Variant type: single nucleotide variant.
Coding change: c.1433G>C on transcript NM_001039141.3 (MANE Select); coding-DNA position 1433, G replaced by C.
Protein change: p.Arg478Thr; replaces arginine 478 with threonine.
Molecular consequence: missense variant.
Genome position (GRCh38, 1-based): chr22:37,723,989, G>C. VCF-style: chr22-37723989-G-C. GRCh37 (hg19) VCF-style: chr22-38119996-G-C.
Other names: short protein forms R478T.
Identifiers: ClinVar variation 2164921 (VCV002164921.4), dbSNP rs200009978, ClinGen allele CA324131859.